The following is an entry in ClinVar:

ClinVar aggregate classification (germline): Pathogenic (1 of 4 stars; one submission).

Conditions:
Inborn genetic diseases. Identifiers: MedGen C0950123, MeSH D030342.

Submission:

Ambry Genetics
Classification: Pathogenic for Inborn genetic diseases. Last evaluated: 2026-03-10. Review status: criteria provided, single submitter. Criteria: Ambry Variant Classification Scheme 2023. Collection method: clinical testing. Allele origin: germline.
Comment: The c.640G>T (p.E214*) alteration, located in exon 5 (coding exon 5) of the FBXO11 gene, consists of a G to T substitution at nucleotide position 640. This changes the amino acid from a glutamic acid (E) to a stop codon at amino acid position 214. This variant is expected to result in loss of function by premature protein truncation or nonsense-mediated mRNA decay. This variant was not reported in population-based cohorts in the Genome Aggregation Database (gnomAD). Based on the available evidence, this alteration is classified as pathogenic.

NM_001190274.2(FBXO11):c.640G>T (p.Glu214Ter)

Gene: FBXO11 (F-box protein 11; minus strand). Cytogenetic location: 2p16.3.
Variant type: single nucleotide variant.
Coding change: c.640G>T on transcript NM_001190274.2 (MANE Select); coding-DNA position 640, G replaced by T.
Protein change: p.Glu214Ter; replaces glutamic acid 214 with a stop codon.
Molecular consequence: nonsense.
Genome position (GRCh38, 1-based): chr2:47,835,949, C>A on the plus strand (G>T on the coding strand, the complement: FBXO11 is on the minus strand). VCF-style: chr2-47835949-C-A. GRCh37 (hg19) VCF-style: chr2-48063088-C-A.
Other names: c.388G>T, p.Glu130Ter (NM_001374325.1, NM_025133.4); short protein forms E130*, E214*.
Identifiers: ClinVar variation 4840850 (VCV004840850.1).